The following is an entry in ClinVar:

NC_012920.1(MT-TW):m.5514A>G

Gene: MT-TW (mitochondrially encoded tRNA tryptophan; plus strand).
Variant type: single nucleotide variant.
Genome position: chrM-5514-A-G.
Identifiers: ClinVar variation 689922 (VCV000689922.1), dbSNP rs1603219997, ClinGen allele CA913179712.

ClinVar aggregate classification (germline): Benign (1 of 4 stars; one submission).

Conditions:
MELAS syndrome (MELAS). Also called: Juvenile myopathy, encephalopathy, lactic acidosis, stroke. Identifiers: Orphanet 550, MedGen C0162671, MONDO:0010789, OMIM 540000.

Submission:

Wong Mito Lab, Molecular and Human Genetics, Baylor College of Medicine
Classification: Benign for MELAS syndrome. Last evaluated: 2019-07-12. Review status: criteria provided, single submitter. Criteria: Modified ACMG Guidelines (Unpublished). Collection method: clinical testing. Allele origin: germline.
Comment: The NC_012920.1:m.5514A>G variant in MT-TW gene is interpreted to be a Benign variant based on the modified ACMG guidelines (unpublished). This variant meets the following evidence codes reported in the guidelines: BS1, BS2, BP4

Literature cited by the submitters: PubMed 31965079; PubMed 22638997.